The following is an entry in ClinVar:

NM_004369.4(COL6A3):c.1431C>T (p.Ile477=)

Gene: COL6A3 (collagen type VI alpha 3 chain; minus strand). Cytogenetic location: 2q37.3.
Variant type: single nucleotide variant.
Coding change: c.1431C>T on transcript NM_004369.4 (MANE Select); coding-DNA position 1431, C replaced by T.
Protein change: p.Ile477=; no amino-acid change (isoleucine 477 retained).
Molecular consequence: synonymous variant.
Genome position (GRCh38, 1-based): chr2:237,381,381, G>A on the plus strand (C>T on the coding strand, the complement: COL6A3 is on the minus strand). VCF-style: chr2-237381381-G-A. GRCh37 (hg19) VCF-style: chr2-238290024-G-A.
Other names: c.210C>T, p.Ile70= (NM_057164.5, NM_057166.5); c.813C>T, p.Ile271= (NM_057165.5, NM_057167.4).
Identifiers: ClinVar variation 2652050 (VCV002652050.26), dbSNP rs751371104, ClinGen allele CA2189627.

ClinVar aggregate classification (germline): Likely benign. Review status: criteria provided, multiple submitters, no conflicts (2 of 4 stars). 2 submissions from 2 submitters: Likely benign (2). Last evaluated 2024-02-22.

Conditions:
Bethlem myopathy 1A. Also called: MYOPATHY, BENIGN CONGENITAL, WITH CONTRACTURES; Bethlem myopathy 1; Bethlem Muscular Dystrophy. Identifiers: Orphanet 610, MedGen CN029274, MONDO:0024530, OMIM 158810.

Allele frequency attached by ClinVar (database versions not stated): gnomAD 0.00001; TOPMed 0.00001; ExAC 0.00002.
gnomAD v4.1: 12 of 1,614,044 alleles (0.00074%); highest among the groups gnomAD compares: Middle Eastern, 0.016%; no homozygotes.

Submissions (2):

Labcorp Genetics (formerly Invitae), Labcorp
Classification: Likely benign for Bethlem myopathy 1A. Last evaluated: 2024-02-22. Review status: criteria provided, single submitter. Criteria: Invitae Variant Classification Sherloc (09022015). Collection method: clinical testing. Allele origin: germline.

CeGaT Center for Human Genetics Tuebingen
Classification: Likely benign. Last evaluated: 2022-11-01. Review status: criteria provided, single submitter. Criteria: CeGaT Center For Human Genetics Tuebingen Variant Classification Criteria Version 2. Collection method: clinical testing. Allele origin: germline. Affected: yes. Observed: 1 variant allele.
Comment: COL6A3: BP4, BP7